The following is an entry in ClinVar:

ClinVar aggregate classification (germline): Uncertain significance (1 of 4 stars; one submission).

Conditions:
Catecholaminergic polymorphic ventricular tachycardia (CVPT). Also called: Catecholamine-induced polymorphic ventricular tachycardia. Identifiers: Orphanet 3286, MedGen C5574922, MONDO:0017990.

Submission:

All of Us Research Program, National Institutes of Health
Classification: Uncertain significance for Catecholaminergic polymorphic ventricular tachycardia. Last evaluated: 2023-06-28. Review status: criteria provided, single submitter. Criteria: ACMG Guidelines, 2015. Collection method: clinical testing. Allele origin: germline. Inheritance: Autosomal dominant inheritance. Observed: 1 variant allele, 1 heterozygote.
Comment: This study involves interpretation of variants in research participants for the purpose of population health screening. Participant phenotype was not available at the time of variant classification. Additional details can be found in publication PMID: 35346344, PMCID: PMC8962531

NM_001035.3(RYR2):c.3748T>A (p.Trp1250Arg)

Gene: RYR2 (ryanodine receptor 2; plus strand). Cytogenetic location: 1q43.
Variant type: single nucleotide variant.
Coding change: c.3748T>A on transcript NM_001035.3 (MANE Select); coding-DNA position 3748, T replaced by A.
Protein change: p.Trp1250Arg; replaces tryptophan 1250 with arginine.
Molecular consequence: missense variant.
Genome position (GRCh38, 1-based): chr1:237,589,942, T>A. VCF-style: chr1-237589942-T-A. GRCh37 (hg19) VCF-style: chr1-237753242-T-A.
Other names: short protein forms W1250R.
Identifiers: ClinVar variation 3071756 (VCV003071756.1), dbSNP rs2546607381, ClinGen allele CA345396459.
Genomic context (GRCh38, chr1:237,589,942, plus strand): 5'-TGTGGCTTACAAGAGGGCTATGAACCATTTGCCGTTAATACAAACAGGGATATTACCATG[T>A]GGCTGAGCAAGAGGCTTCCTCAGTTTCTTCAAGTTCCATCAAACCATGAACATATAGAGG-3'
Protein context (NP_001026.2, residues 1240-1260): AVNTNRDITM[Trp1250Arg]LSKRLPQFLQ